The following is an entry in ClinVar:

NM_199069.2(NDUFAF3):c.270+6T>C

Gene: NDUFAF3 (NADH:ubiquinone oxidoreductase complex assembly factor 3; plus strand). Cytogenetic location: 3p21.31.
Variant type: single nucleotide variant.
Coding change: c.270+6T>C on transcript NM_199069.2 (MANE Select); 6 bases into the intron after coding-DNA position 270, T replaced by C.
Molecular consequence: intron variant.
Genome position (GRCh38, 1-based): chr3:49,022,544, T>C. VCF-style: chr3-49022544-T-C. GRCh37 (hg19) VCF-style: chr3-49059977-T-C.
Other names: c.99+6T>C (NM_199074.2, NM_199073.2, NM_199070.2).
Identifiers: ClinVar variation 2001489 (VCV002001489.2), dbSNP rs2471619658, ClinGen allele CA2580069976.

ClinVar aggregate classification (germline): Uncertain significance (1 of 4 stars; one submission).

gnomAD v4.1: 1 of 1,612,818 alleles (0.000062%); highest among the groups gnomAD compares: Non-Finnish European, 0.000085%; no homozygotes.

Submission:

Labcorp Genetics (formerly Invitae), Labcorp
Classification: Uncertain significance. Last evaluated: 2025-06-20. Review status: criteria provided, single submitter. Criteria: Invitae Variant Classification Sherloc (09022015). Collection method: clinical testing. Allele origin: germline.
Comment: This sequence change falls in intron 2 of the NDUFAF3 gene. It does not directly change the encoded amino acid sequence of the NDUFAF3 protein. It affects a nucleotide within the consensus splice site. This variant is not present in population databases (gnomAD no frequency). This variant has not been reported in the literature in individuals affected with NDUFAF3-related conditions. ClinVar contains an entry for this variant (Variation ID: 2001489). Variants that disrupt the consensus splice site are a relatively common cause of aberrant splicing (PMID: 17576681, 9536098). Algorithms developed to predict the effect of sequence changes on RNA splicing suggest that this variant may disrupt the consensus splice site. In summary, the available evidence is currently insufficient to determine the role of this variant in disease. Therefore, it has been classified as a Variant of Uncertain Significance.

Literature cited by the submitters: PubMed 17576681; PubMed 9536098.